The following is an entry in ClinVar:

NM_032776.3(JMJD1C):c.6664C>G (p.Leu2222Val)

Gene: JMJD1C (jumonji domain containing 1C; minus strand). Cytogenetic location: 10q21.3.
Variant type: single nucleotide variant.
Coding change: c.6664C>G on transcript NM_032776.3 (MANE Select); coding-DNA position 6664, C replaced by G.
Protein change: p.Leu2222Val; replaces leucine 2222 with valine.
Molecular consequence: missense variant. On other transcripts: non-coding transcript variant (1).
Genome position (GRCh38, 1-based): chr10:63,186,290, G>C on the plus strand (C>G on the coding strand, the complement: JMJD1C is on the minus strand). VCF-style: chr10-63186290-G-C. GRCh37 (hg19) VCF-style: chr10-64946050-G-C.
Other names: c.6118C>G, p.Leu2040Val (NM_001282948.2, NM_001318154.2); c.5800C>G, p.Leu1934Val (NM_001318153.2); c.6550C>G, p.Leu2184Val (NM_001322252.2); c.6007C>G, p.Leu2003Val (NM_001322254.2, NM_001322258.2); short protein forms L2003V, L2040V, L2184V, L1934V, L2222V.
Identifiers: ClinVar variation 2859846 (VCV002859846.3), dbSNP rs1027295642, ClinGen allele CA377022308.

ClinVar aggregate classification (germline): Uncertain significance (1 of 4 stars; one submission).

Conditions:
Early Myoclonic Encephalopathy. Identifiers: MedGen C0270855.

gnomAD v4.1: 1 of 1,613,360 alleles (0.000062%); highest among the groups gnomAD compares: Non-Finnish European, 0.000085%; no homozygotes.

Submission:

Labcorp Genetics (formerly Invitae), Labcorp
Classification: Uncertain significance for Early Myoclonic Encephalopathy. Last evaluated: 2023-04-27. Review status: criteria provided, single submitter. Criteria: Invitae Variant Classification Sherloc (09022015). Collection method: clinical testing. Allele origin: germline.
Comment: In summary, the available evidence is currently insufficient to determine the role of this variant in disease. Therefore, it has been classified as a Variant of Uncertain Significance. Advanced modeling of protein sequence and biophysical properties (such as structural, functional, and spatial information, amino acid conservation, physicochemical variation, residue mobility, and thermodynamic stability) has been performed at Invitae for this missense variant, however the output from this modeling did not meet the statistical confidence thresholds required to predict the impact of this variant on JMJD1C protein function. This variant has not been reported in the literature in individuals affected with JMJD1C-related conditions. This variant is not present in population databases (gnomAD no frequency). This sequence change replaces leucine, which is neutral and non-polar, with valine, which is neutral and non-polar, at codon 2222 of the JMJD1C protein (p.Leu2222Val).